The following is an entry in ClinVar:

ClinVar aggregate classification (germline): Uncertain significance. Review status: criteria provided, multiple submitters, no conflicts (2 of 4 stars). 4 submissions from 4 submitters: Uncertain significance (3). 1 of the submissions does not count toward it. Last evaluated 2024-10-23.

Conditions:
Congenital microcephaly - severe encephalopathy - progressive cerebral atrophy syndrome. Also called: ASNS DEFICIENCY; Asparagine synthetase deficiency. Identifiers: Orphanet 391376, MedGen C3809971, MONDO:0014258, OMIM 615574.
Inborn genetic diseases. Identifiers: MedGen C0950123, MeSH D030342.

Allele frequency attached by ClinVar (database versions not stated): gnomAD exomes below 0.00001; TOPMed below 0.00001; ExAC 0.00001.
gnomAD v4.1: 1 of 1,614,146 alleles (0.000062%); highest among the groups gnomAD compares: Admixed American, 0.0017%; no homozygotes.

Submissions (4):

Labcorp Genetics (formerly Invitae), Labcorp
Classification: Uncertain significance. Last evaluated: 2024-10-23. Review status: criteria provided, single submitter. Criteria: Invitae Variant Classification Sherloc (09022015). Collection method: clinical testing. Allele origin: germline.
Comment: This sequence change replaces asparagine, which is neutral and polar, with serine, which is neutral and polar, at codon 543 of the ASNS protein (p.Asn543Ser). This variant is present in population databases (rs751735389, gnomAD 0.003%). This variant has not been reported in the literature in individuals affected with ASNS-related conditions. ClinVar contains an entry for this variant (Variation ID: 1214177). Invitae Evidence Modeling of protein sequence and biophysical properties (such as structural, functional, and spatial information, amino acid conservation, physicochemical variation, residue mobility, and thermodynamic stability) indicates that this missense variant is not expected to disrupt ASNS protein function with a negative predictive value of 95%. In summary, the available evidence is currently insufficient to determine the role of this variant in disease. Therefore, it has been classified as a Variant of Uncertain Significance.

Ambry Genetics
Classification: Uncertain significance for Inborn genetic diseases. Last evaluated: 2024-07-09. Review status: criteria provided, single submitter. Criteria: Ambry Variant Classification Scheme 2023. Collection method: clinical testing. Allele origin: germline.

GeneDx
Classification: Uncertain significance. Last evaluated: 2021-04-30. Review status: criteria provided, single submitter. Criteria: GeneDx Variant Classification Process June 2021. Collection method: clinical testing. Allele origin: germline. Affected: yes.
Comment: Not observed at a significant frequency in large population cohorts (Lek et al., 2016); In silico analysis supports that this missense variant does not alter protein structure/function; Has not been previously published as pathogenic or benign to our knowledge

Natera, Inc.
Classification: Uncertain significance for Asparagine synthetase deficiency. Last evaluated: 2020-10-05. Review status: no assertion criteria provided. Collection method: clinical testing. Allele origin: germline. Not counted in ClinVar's aggregate classification.

NM_001673.5(ASNS):c.1628A>G (p.Asn543Ser)

Genes: ASNS (asparagine synthetase (glutamine-hydrolyzing); minus strand), CZ1P-ASNS (CZ1P-ASNS readthrough; minus strand). Cytogenetic location: 7q21.3.
Variant type: single nucleotide variant.
Coding change: c.1628A>G on transcript NM_001673.5 (MANE Select); coding-DNA position 1628, A replaced by G.
Protein change: p.Asn543Ser; replaces asparagine 543 with serine.
Molecular consequence: missense variant. On other transcripts: non-coding transcript variant (1).
Genome position (GRCh38, 1-based): chr7:97,852,317, T>C on the plus strand (A>G on the coding strand, the complement: ASNS is on the minus strand). VCF-style: chr7-97852317-T-C. GRCh37 (hg19) VCF-style: chr7-97481629-T-C.
Other names: c.1565A>G, p.Asn522Ser (NM_001178075.2); c.1379A>G, p.Asn460Ser (NM_001178076.2, NM_001178077.1); c.1628A>G, p.Asn543Ser (NM_001352496.2, NM_133436.3, NM_183356.4); short protein forms N460S, N522S, N543S.
Identifiers: ClinVar variation 1214177 (VCV001214177.8), dbSNP rs751735389, ClinGen allele CA4354463.
Genomic context (GRCh38, chr7:97,852,317, plus strand): 5'-ACCTAAGCTTTGACAGCTGACTTGTAGTGGGTCAGCGTGCGGGCAGAAGGGTCAGTGGCA[T>C]TGATCCACTTGGGCATCCAGTAATGGCTCAGCCAGTCAGCCCGGCCTGGGTAATGGCGTT-3'
Protein context (NP_001664.3, residues 533-553): LSHYWMPKWI[Asn543Ser]ATDPSARTLT